The following is an entry in ClinVar:

NM_001429.4(EP300):c.650A>G (p.Asn217Ser)

Gene: EP300 (EP300 lysine acetyltransferase; plus strand). Cytogenetic location: 22q13.2.
Variant type: single nucleotide variant.
Coding change: c.650A>G on transcript NM_001429.4 (MANE Select); coding-DNA position 650, A replaced by G.
Protein change: p.Asn217Ser; replaces asparagine 217 with serine.
Molecular consequence: missense variant.
Genome position (GRCh38, 1-based): chr22:41,117,742, A>G. VCF-style: chr22-41117742-A-G. GRCh37 (hg19) VCF-style: chr22-41513746-A-G.
Other names: c.650A>G, p.Asn217Ser (NM_001362843.2); short protein forms N217S.
Identifiers: ClinVar variation 975546 (VCV000975546.32), dbSNP rs139130083, ClinGen allele CA10252292.

ClinVar aggregate classification (germline): Likely benign. Review status: criteria provided, multiple submitters, no conflicts (2 of 4 stars). 5 submissions from 5 submitters: Likely benign (3). 2 of the submissions do not count toward it. Last evaluated 2025-05-05.

Conditions:
Rubinstein-Taybi syndrome due to EP300 haploinsufficiency. Also called: RUBINSTEIN-TAYBI SYNDROME 2; EP300-Related Rubinstein-Taybi Syndrome. Identifiers: Orphanet 353284, Orphanet 783, MedGen C3150941, MONDO:0013364, OMIM 613684.
Intellectual disability. Also called: Intellectual developmental disorder; intellectual disabilities; Intellectual functioning disability. Identifiers: MedGen C3714756, MeSH D008607, MONDO:0001071, HP:0001249.
Inborn genetic diseases. Identifiers: MedGen C0950123, MeSH D030342.
EP300-related disorder. Also called: EP300-related condition; EP300-related disorders.

Allele frequency attached by ClinVar (database versions not stated): gnomAD 0.00001; TOPMed 0.00003; ESP Exome Variant Server 0.00008; gnomAD exomes 0.00012; 1000 Genomes Project 30x 0.00031.
gnomAD v4.1: 102 of 1,614,260 alleles (0.0063%); highest among the groups gnomAD compares: South Asian, 0.048%; 2 homozygotes.

Submissions (5):

Labcorp Genetics (formerly Invitae), Labcorp
Classification: Likely benign for Rubinstein-Taybi syndrome due to EP300 haploinsufficiency. Last evaluated: 2025-05-05. Review status: criteria provided, single submitter. Criteria: Invitae Variant Classification Sherloc (09022015). Collection method: clinical testing. Allele origin: germline.

CeGaT Center for Human Genetics Tuebingen
Classification: Likely benign. Last evaluated: 2024-11-01. Review status: criteria provided, single submitter. Criteria: CeGaT Center For Human Genetics Tuebingen Variant Classification Criteria Version 2. Collection method: clinical testing. Allele origin: germline. Affected: yes. Observed: 6 variant alleles.
Comment: EP300: BP4, BS1

Ambry Genetics
Classification: Likely benign for Inborn genetic diseases. Last evaluated: 2024-04-23. Review status: criteria provided, single submitter. Criteria: Ambry Variant Classification Scheme 2023. Collection method: clinical testing. Allele origin: germline.

PreventionGenetics, part of Exact Sciences
Classification: Likely benign for EP300-related condition. Last evaluated: 2022-01-03. Review status: no assertion criteria provided. Collection method: clinical testing. Allele origin: germline. Not counted in ClinVar's aggregate classification.
Comment: This variant is classified as likely benign based on ACMG/AMP sequence variant interpretation guidelines (Richards et al. 2015 PMID: 25741868, with internal and published modifications).

Centre de Biologie Pathologie Génétique, Centre Hospitalier Universitaire de Lille
Classification: Likely benign for Intellectual disability. Last evaluated: 2019-01-01. Review status: no assertion criteria provided. Collection method: clinical testing. Allele origin: inherited. Affected: yes. Not counted in ClinVar's aggregate classification.